The following is an entry in ClinVar:

NM_001278716.2(FBXL4):c.1103+7A>G

Gene: FBXL4 (F-box and leucine rich repeat protein 4; minus strand). Cytogenetic location: 6q16.2.
Variant type: single nucleotide variant.
Coding change: c.1103+7A>G on transcript NM_001278716.2 (MANE Select); 7 bases into the intron after coding-DNA position 1103, A replaced by G.
Molecular consequence: intron variant.
Genome position (GRCh38, 1-based): chr6:98,905,419, T>C on the plus strand (A>G on the coding strand, the complement: FBXL4 is on the minus strand). VCF-style: chr6-98905419-T-C. GRCh37 (hg19) VCF-style: chr6-99353295-T-C.
Other names: c.1103+7A>G (NM_012160.5).
Identifiers: ClinVar variation 437688 (VCV000437688.2), dbSNP rs771325864, ClinGen allele CA3933549.

ClinVar aggregate classification (germline): Conflicting classifications of pathogenicity. Review status: criteria provided, conflicting classifications (1 of 4 stars). 2 submissions from 2 submitters: Uncertain significance (1); Likely benign (1). Last evaluated 2023-06-16.

Conditions:
Mitochondrial DNA depletion syndrome 13. Also called: Mitochondrial DNA depletion syndrome 13 (encephalomyopathic type); FBXL4-Related Encephalomyopathic Mitochondrial DNA Depletion Syndrome. Identifiers: Orphanet 369897, MedGen C3809592, MONDO:0014198, OMIM 615471.

Allele frequency attached by ClinVar (database versions not stated): gnomAD exomes below 0.00001; ExAC 0.00001; gnomAD 0.00001; TOPMed 0.00001.
gnomAD v4.1: 2 of 1,613,784 alleles (0.00012%); highest among the groups gnomAD compares: Admixed American, 0.0017%; no homozygotes.

Submissions (2):

Blueprint Genetics
Classification: Likely benign. Last evaluated: 2023-06-16. Review status: criteria provided, single submitter. Criteria: ACMG Guidelines, 2015. Collection method: clinical testing. Allele origin: germline.

Wong Mito Lab, Molecular and Human Genetics, Baylor College of Medicine
Classification: Uncertain significance for Mitochondrial DNA depletion syndrome 13. Last evaluated: 2017-08-10. Review status: criteria provided, single submitter. Criteria: ACMG Guidelines, 2015. Collection method: reference population. Allele origin: germline.
Comment: The NM_012160.4:c.1103+7A>G (NP_036292.2:p.=) [GRCH38: NC_000006.12:g.98905419T>C] variant in FBXL4 gene is interpretated to be a Uncertain Significance - Insufficient Evidence based on ACMG guidelines (PMID: 25741868). This variant meets one or more of the following evidence codes reported in the ACMG-guideline. PM2:This variant is absent in key population databases. Based on this evidence code ClinGen Pathogenicity Calculator (PMID:28081714) suggested that the variant is Uncertain Significance - Insufficient Evidence.